The following is an entry in ClinVar:

ClinVar aggregate classification (germline): Likely benign (1 of 4 stars; one submission).

Submission:

CeGaT Center for Human Genetics Tuebingen
Classification: Likely benign. Last evaluated: 2026-05-01. Review status: criteria provided, single submitter. Criteria: CeGaT Center For Human Genetics Tuebingen Variant Classification Criteria Version 2. Collection method: clinical testing. Allele origin: germline. Affected: yes. Observed: 1 variant allele.
Comment: RHOBTB2: PM2:Supporting, BP4, BP7

NM_015178.3(RHOBTB2):c.1143C>G (p.Gly381=)

Gene: RHOBTB2 (Rho related BTB domain containing 2; plus strand). Cytogenetic location: 8p21.3.
Variant type: single nucleotide variant.
Coding change: c.1143C>G on transcript NM_015178.3 (MANE Select); coding-DNA position 1143, C replaced by G.
Protein change: p.Gly381=; no amino-acid change (glycine 381 retained).
Molecular consequence: synonymous variant.
Genome position (GRCh38, 1-based): chr8:23,007,388, C>G. VCF-style: chr8-23007388-C-G. GRCh37 (hg19) VCF-style: chr8-22864901-C-G.
Other names: c.1209C>G, p.Gly403= (NM_001160036.2); c.1164C>G, p.Gly388= (NM_001160037.2); c.1143C>G, p.Gly381= (NM_001374791.1).
Identifiers: ClinVar variation 4873776 (VCV004873776.2).